The following is an entry in ClinVar:

NM_001453.3(FOXC1):c.581_598del (p.Pro194_Arg199del)

Gene: FOXC1 (forkhead box C1; plus strand). Cytogenetic location: 6p25.3.
Variant type: Deletion.
Coding change: c.581_598del on transcript NM_001453.3 (MANE Select); coding-DNA positions 581 to 598, 18 bases deleted (CGCCCCCGCCCGGCCGCC).
Protein change: p.Pro194_Arg199del.
Genome position (GRCh38, 1-based): chr6:1,611,026-1,611,043, CGCCCCCGCCCGGCCGCC deleted; deleting any 18 consecutive bases within chr6:1,611,025-1,611,043 gives the same sequence; the c. name uses the placement nearest the transcript's 3' end. VCF-style (leftmost placement, unchanged base first): chr6-1611024-GCCGCCCCCGCCCGGCCGC-G. GRCh37 (hg19) VCF-style: chr6-1611259-GCCGCCCCCGCCCGGCCGC-G.
Identifiers: ClinVar variation 3697530 (VCV003697530.2).

ClinVar aggregate classification (germline): Uncertain significance (1 of 4 stars; one submission).

Conditions:
Axenfeld-Rieger syndrome type 3 (RIEG3). Also called: AXENFELD-RIEGER ANOMALY WITH CARDIAC DEFECTS AND/OR SENSORINEURAL HEARING LOSS. Identifiers: Orphanet 782, MedGen C2678503, MONDO:0011233, OMIM 602482.

Submission:

Labcorp Genetics (formerly Invitae), Labcorp
Classification: Uncertain significance for Axenfeld-Rieger syndrome type 3. Last evaluated: 2024-06-21. Review status: criteria provided, single submitter. Criteria: Invitae Variant Classification Sherloc (09022015). Collection method: clinical testing. Allele origin: germline.
Comment: This variant, c.581_598del, results in the deletion of 6 amino acid(s) of the FOXC1 protein (p.Pro194_Arg199del), but otherwise preserves the integrity of the reading frame. This variant is not present in population databases (gnomAD no frequency). This variant has not been reported in the literature in individuals affected with FOXC1-related conditions. Experimental studies and prediction algorithms are not available or were not evaluated, and the functional significance of this variant is currently unknown. In summary, the available evidence is currently insufficient to determine the role of this variant in disease. Therefore, it has been classified as a Variant of Uncertain Significance.